The following is an entry in ClinVar:

NC_000009.11:g.(?_98690981)_(98691166_?)del

Gene: ERCC6L2 (ERCC excision repair 6 like 2; plus strand). Cytogenetic location: 9q22.32.
Variant type: Deletion.
Identifiers: ClinVar variation 2426526 (VCV002426526.2).

ClinVar aggregate classification (germline): Pathogenic (1 of 4 stars; one submission).

Submission:

Labcorp Genetics (formerly Invitae), Labcorp
Classification: Pathogenic. Last evaluated: 2023-04-28. Review status: criteria provided, single submitter. Criteria: Invitae Variant Classification Sherloc (09022015). Collection method: clinical testing. Allele origin: germline.
Comment: For these reasons, this variant has been classified as Pathogenic. A similar copy number variant has been observed in individual(s) with myelodysplastic syndrome and congenital mirror movement (PMID: 33209984). This variant is a gross deletion of the genomic region encompassing exon(s) 11 of the ERCC6L2 gene. This deletion is out-of-frame, and is expected to create a premature termination codon and result in an absent or disrupted protein product. Loss-of-function variants in ERCC6L2 are known to be pathogenic (PMID: 24507776, 27185855, 29146883, 29987015).

Literature cited by the submitters: PubMed 33209984; PubMed 24507776; PubMed 27185855; PubMed 29146883; PubMed 29987015.